The following is an entry in ClinVar:

NM_014795.4(ZEB2):c.2176T>C (p.Ser726Pro)

Gene: ZEB2 (zinc finger E-box binding homeobox 2; minus strand). Cytogenetic location: 2q22.3.
Variant type: single nucleotide variant.
Coding change: c.2176T>C on transcript NM_014795.4 (MANE Select); coding-DNA position 2176, T replaced by C.
Protein change: p.Ser726Pro; replaces serine 726 with proline.
Molecular consequence: missense variant.
Genome position (GRCh38, 1-based): chr2:144,399,011, A>G on the plus strand (T>C on the coding strand, the complement: ZEB2 is on the minus strand). VCF-style: chr2-144399011-A-G. GRCh37 (hg19) VCF-style: chr2-145156578-A-G.
Other names: c.2104T>C, p.Ser702Pro (NM_001171653.2); short protein forms S726P, S702P.
Identifiers: ClinVar variation 1027896 (VCV001027896.1), dbSNP rs1703269897, ClinGen allele CA348708861.
Genomic context (GRCh38, chr2:144,399,011, plus strand): 5'-CTGCTATAGATGGTGATGTTATGGAGTCCATAGGTTTTACAGGAGACCTGGGTAATAAAG[A>G]GTCTTTTGTGGGAGGGTTACTGTTGGGAGCTAACGGCTTGGAGCTTCTTTCCAGGGATGG-3'
Protein context (NP_055610.1, residues 716-736): APNSNPPTKD[Ser726Pro]LLPRSPVKPM

ClinVar aggregate classification (germline): Uncertain significance (1 of 4 stars; one submission).

Conditions:
Mowat-Wilson syndrome (MOWS). Also called: Classic Mowat-Wilson Syndrome. Identifiers: Orphanet 2152, MedGen C1856113, MONDO:0009341, OMIM 235730.

Submission:

Baylor Genetics
Classification: Uncertain significance for Mowat-Wilson syndrome. Last evaluated: 2020-04-21. Review status: criteria provided, single submitter. Criteria: ACMG Guidelines, 2015. Collection method: clinical testing. Allele origin: unknown. Affected: yes.
Comment: This variant was determined to be of uncertain significance according to ACMG Guidelines, 2015 [PMID:25741868].